The following is an entry in ClinVar:

ClinVar aggregate classification (germline): Uncertain significance (1 of 4 stars; one submission).

Allele frequency attached by ClinVar (database versions not stated): ExAC below 0.00001; gnomAD exomes below 0.00001 and 0.00003; TOPMed 0.00001.
gnomAD v4.1: 4 of 1,165,334 alleles (0.00034%); highest among the groups gnomAD compares: Admixed American, 0.01%; no homozygotes.

Submission:

Labcorp Genetics (formerly Invitae), Labcorp
Classification: Uncertain significance. Last evaluated: 2025-11-26. Review status: criteria provided, single submitter. Criteria: Invitae Variant Classification Sherloc (09022015). Collection method: clinical testing. Allele origin: germline.
Comment: This sequence change replaces threonine, which is neutral and polar, with isoleucine, which is neutral and non-polar, at codon 101 of the CACNA1F protein (p.Thr101Ile). This variant is present in population databases (rs782006674, gnomAD 0.02%). This variant has not been reported in the literature in individuals affected with CACNA1F-related conditions. ClinVar contains an entry for this variant (Variation ID: 1044119). Invitae Evidence Modeling of protein sequence and biophysical properties (such as structural, functional, and spatial information, amino acid conservation, physicochemical variation, residue mobility, and thermodynamic stability) indicates that this missense variant is not expected to disrupt CACNA1F protein function with a negative predictive value of 80%. In summary, the available evidence is currently insufficient to determine the role of this variant in disease. Therefore, it has been classified as a Variant of Uncertain Significance.

NM_001256789.3(CACNA1F):c.302C>T (p.Thr101Ile)

Gene: CACNA1F (calcium voltage-gated channel subunit alpha1 F; minus strand). Cytogenetic location: Xp11.23.
Variant type: single nucleotide variant.
Coding change: c.302C>T on transcript NM_001256789.3 (MANE Select); coding-DNA position 302, C replaced by T.
Protein change: p.Thr101Ile; replaces threonine 101 with isoleucine.
Molecular consequence: missense variant.
Genome position (GRCh38, 1-based): chrX:49,231,281, G>A on the plus strand (C>T on the coding strand, the complement: CACNA1F is on the minus strand). VCF-style: chrX-49231281-G-A. GRCh37 (hg19) VCF-style: chrX-49087743-G-A.
Other names: c.107C>T, p.Thr36Ile (NM_001256790.3); c.302C>T, p.Thr101Ile (NM_005183.4); short protein forms T36I, T101I.
Identifiers: ClinVar variation 1044119 (VCV001044119.8), dbSNP rs782006674, ClinGen allele CA10411097.